The following is an entry in ClinVar:

ClinVar aggregate classification (germline): Uncertain significance. Review status: criteria provided, multiple submitters, no conflicts (2 of 4 stars). 3 submissions from 3 submitters: Uncertain significance (3). Last evaluated 2026-08-02.

Conditions:
Familial sleep-related hypermotor epilepsy. Also called: Autosomal Dominant Sleep-Related Hypermotor (Hyperkinetic) Epilepsy. Identifiers: Orphanet 98784, MedGen C3696898, MONDO:0000030.
Autosomal dominant nocturnal frontal lobe epilepsy 4. Also called: EPILEPSY, FAMILIAL, WITH NOCTURNAL WANDERING AND ICTAL FEAR; CHRNA2-Related Nocturnal Frontal Lobe Epilepsy, Autosomal Dominant. Identifiers: Orphanet 98784, MedGen C1835905, MONDO:0012474, OMIM 610353.

gnomAD v4.1: 4 of 1,614,218 alleles (0.00025%); highest among the groups gnomAD compares: Middle Eastern, 0.066%; no homozygotes.

Submissions (3):

GeneDx
Classification: Uncertain significance. Last evaluated: 2026-08-02. Review status: criteria provided, single submitter. Criteria: GeneDx Variant Classification Process June 2021. Collection method: clinical testing. Allele origin: germline.
Comment: Not observed at significant frequency in large population cohorts (gnomAD); In silico analysis suggests that this missense variant does not alter protein structure/function; Has not been previously published as pathogenic or benign to our knowledge

Genomic Medicine Center of Excellence, King Faisal Specialist Hospital and Research Centre
Classification: Uncertain significance for Autosomal dominant nocturnal frontal lobe epilepsy 4. Last evaluated: 2025-09-10. Review status: criteria provided, single submitter. Criteria: ACMG Guidelines, 2015. Collection method: clinical testing. Allele origin: germline.

Labcorp Genetics (formerly Invitae), Labcorp
Classification: Uncertain significance. Last evaluated: 2022-01-12. Review status: criteria provided, single submitter. Criteria: Invitae Variant Classification Sherloc (09022015). Collection method: clinical testing. Allele origin: germline.
Comment: In summary, the available evidence is currently insufficient to determine the role of this variant in disease. Therefore, it has been classified as a Variant of Uncertain Significance. Advanced modeling of protein sequence and biophysical properties (such as structural, functional, and spatial information, amino acid conservation, physicochemical variation, residue mobility, and thermodynamic stability) performed at Invitae indicates that this missense variant is not expected to disrupt CHRNA2 protein function. ClinVar contains an entry for this variant (Variation ID: 204976). This variant has not been reported in the literature in individuals affected with CHRNA2-related conditions. This variant is not present in population databases (gnomAD no frequency). This sequence change replaces valine, which is neutral and non-polar, with leucine, which is neutral and non-polar, at codon 511 of the CHRNA2 protein (p.Val511Leu).

NM_000742.4(CHRNA2):c.1531G>C (p.Val511Leu)

Gene: CHRNA2 (cholinergic receptor nicotinic alpha 2 subunit; minus strand). Cytogenetic location: 8p21.2.
Variant type: single nucleotide variant.
Coding change: c.1531G>C on transcript NM_000742.4 (MANE Select); coding-DNA position 1531, G replaced by C.
Protein change: p.Val511Leu; replaces valine 511 with leucine.
Molecular consequence: missense variant.
Genome position (GRCh38, 1-based): chr8:27,461,688, C>G on the plus strand (G>C on the coding strand, the complement: CHRNA2 is on the minus strand). VCF-style: chr8-27461688-C-G. GRCh37 (hg19) VCF-style: chr8-27319205-C-G.
Other names: p.V511L:GTC>CTC; c.1486G>C, p.Val496Leu (NM_001282455.2); c.1054G>C, p.Val352Leu (NM_001347705.2, NM_001347706.2); c.937G>C, p.Val313Leu (NM_001347707.2, NM_001347708.2); short protein forms V511L, V313L, V352L, V496L.
Identifiers: ClinVar variation 204976 (VCV000204976.9), dbSNP rs796052306, ClinGen allele CA313474.